The following is an entry in ClinVar:

ClinVar aggregate classification (germline): Likely benign. Review status: criteria provided, single submitter (1 of 4 stars). 2 submissions from 2 submitters: Likely benign (1). 1 of the submissions does not count toward it. Last evaluated 2022-05-01.

Conditions:
STARD9-related disorder. Also called: STARD9-related condition.

Allele frequency attached by ClinVar (database versions not stated): TOPMed 0.00008; ExAC 0.00010; gnomAD 0.00015; gnomAD exomes 0.00026.
gnomAD v4.1: 372 of 1,537,114 alleles (0.024%); highest among the groups gnomAD compares: Non-Finnish European, 0.031%; 1 homozygote.

Submissions (2):

CeGaT Center for Human Genetics Tuebingen
Classification: Likely benign. Last evaluated: 2022-05-01. Review status: criteria provided, single submitter. Criteria: CeGaT Center For Human Genetics Tuebingen Variant Classification Criteria Version 2. Collection method: clinical testing. Allele origin: germline. Affected: yes. Observed: 1 variant allele.
Comment: STARD9: BP4, BP7

PreventionGenetics, part of Exact Sciences
Classification: Likely benign for STARD9-related condition. Last evaluated: 2019-06-27. Review status: no assertion criteria provided. Collection method: clinical testing. Allele origin: germline. Not counted in ClinVar's aggregate classification.
Comment: This variant is classified as likely benign based on ACMG/AMP sequence variant interpretation guidelines (Richards et al. 2015 PMID: 25741868, with internal and published modifications).

NM_020759.3(STARD9):c.3543T>C (p.Ala1181=)

Gene: STARD9 (StAR related lipid transfer domain containing 9; plus strand). Cytogenetic location: 15q15.2.
Variant type: single nucleotide variant.
Coding change: c.3543T>C on transcript NM_020759.3 (MANE Select); coding-DNA position 3543, T replaced by C.
Protein change: p.Ala1181=; no amino-acid change (alanine 1181 retained).
Molecular consequence: synonymous variant.
Genome position (GRCh38, 1-based): chr15:42,685,121, T>C. VCF-style: chr15-42685121-T-C. GRCh37 (hg19) VCF-style: chr15-42977319-T-C.
Other names: c.3543T>C (NM_020759.2).
Identifiers: ClinVar variation 2645241 (VCV002645241.25), dbSNP rs536364283, ClinGen allele CA7514263.